The following is an entry in ClinVar:

NM_006096.4(NDRG1):c.523T>C (p.Trp175Arg)

Gene: NDRG1 (N-myc downstream regulated 1; minus strand). Cytogenetic location: 8q24.22.
Variant type: single nucleotide variant.
Coding change: c.523T>C on transcript NM_006096.4 (MANE Select); coding-DNA position 523, T replaced by C.
Protein change: p.Trp175Arg; replaces tryptophan 175 with arginine.
Molecular consequence: missense variant.
Genome position (GRCh38, 1-based): chr8:133,256,791, A>G on the plus strand (T>C on the coding strand, the complement: NDRG1 is on the minus strand). VCF-style: chr8-133256791-A-G. GRCh37 (hg19) VCF-style: chr8-134269034-A-G.
Other names: c.523T>C, p.Trp175Arg (NM_001135242.2, NM_001374844.1, NM_001374845.1 and 1 more transcripts); c.325T>C, p.Trp109Arg (NM_001258432.2, NM_001374847.1); c.280T>C, p.Trp94Arg (NM_001258433.2); short protein forms W175R, W109R, W94R.
Identifiers: ClinVar variation 645282 (VCV000645282.3), dbSNP rs1586434783, ClinGen allele CA372255679.

ClinVar aggregate classification (germline): Uncertain significance (1 of 4 stars; one submission).

Conditions:
Charcot-Marie-Tooth disease type 4. Also called: Charcot-Marie-Tooth disease, type IV; Charcot-Marie-Tooth, Type 4. Identifiers: Orphanet 64749, MedGen C4082197, MONDO:0018995.

Submission:

Labcorp Genetics (formerly Invitae), Labcorp
Classification: Uncertain significance for Charcot-Marie-Tooth disease type 4. Last evaluated: 2021-08-26. Review status: criteria provided, single submitter. Criteria: Invitae Variant Classification Sherloc (09022015). Collection method: clinical testing. Allele origin: germline.
Comment: This sequence change replaces tryptophan with arginine at codon 175 of the NDRG1 protein (p.Trp175Arg). The tryptophan residue is moderately conserved and there is a moderate physicochemical difference between tryptophan and arginine. This variant is not present in population databases (ExAC no frequency). This variant has not been reported in the literature in individuals affected with NDRG1-related conditions. Algorithms developed to predict the effect of missense changes on protein structure and function are either unavailable or do not agree on the potential impact of this missense change (SIFT: "Tolerated"; PolyPhen-2: "Possibly Damaging"; Align-GVGD: "Class C0"). In summary, the available evidence is currently insufficient to determine the role of this variant in disease. Therefore, it has been classified as a Variant of Uncertain Significance.